The following is an entry in ClinVar:

NM_015687.5(FILIP1):c.3355C>T (p.Arg1119Trp)

Gene: FILIP1 (filamin A interacting protein 1; minus strand). Cytogenetic location: 6q14.1.
Variant type: single nucleotide variant.
Coding change: c.3355C>T on transcript NM_015687.5 (MANE Select); coding-DNA position 3355, C replaced by T.
Protein change: p.Arg1119Trp; replaces arginine 1119 with tryptophan.
Molecular consequence: missense variant.
Genome position (GRCh38, 1-based): chr6:75,312,477, G>A on the plus strand (C>T on the coding strand, the complement: FILIP1 is on the minus strand). VCF-style: chr6-75312477-G-A. GRCh37 (hg19) VCF-style: chr6-76022193-G-A.
Other names: c.3364C>T, p.Arg1122Trp (NM_001289987.3); c.3355C>T, p.Arg1119Trp (NM_001300866.3); short protein forms R1119W, R1122W.
Identifiers: ClinVar variation 3771304 (VCV003771304.13).

ClinVar aggregate classification (germline): Likely benign (1 of 4 stars; one submission).

gnomAD v4.1: 274 of 1,614,164 alleles (0.017%); highest among the groups gnomAD compares: South Asian, 0.19%; 1 homozygote.

Submission:

CeGaT Center for Human Genetics Tuebingen
Classification: Likely benign. Last evaluated: 2025-01-01. Review status: criteria provided, single submitter. Criteria: CeGaT Center For Human Genetics Tuebingen Variant Classification Criteria Version 2. Collection method: clinical testing. Allele origin: germline. Affected: yes. Observed: 1 variant allele.
Comment: FILIP1: BP4